The following is an entry in ClinVar:

NM_001377458.1(CLCC1):c.1142G>A (p.Arg381Gln)

Gene: CLCC1 (chloride channel CLIC like 1; minus strand). Cytogenetic location: 1p13.3.
Variant type: single nucleotide variant.
Coding change: c.1142G>A on transcript NM_001377458.1 (MANE Select); coding-DNA position 1142, G replaced by A.
Protein change: p.Arg381Gln; replaces arginine 381 with glutamine.
Molecular consequence: missense variant. On other transcripts: non-coding transcript variant (1).
Genome position (GRCh38, 1-based): chr1:108,937,318, C>T on the plus strand (G>A on the coding strand, the complement: CLCC1 is on the minus strand). VCF-style: chr1-108937318-C-T. GRCh37 (hg19) VCF-style: chr1-109479940-C-T.
Other names: c.1142G>A, p.Arg381Gln (NM_001048210.3, NM_001377459.1, NM_001377460.1 and 8 more transcripts); c.779G>A, p.Arg260Gln (NM_001278202.2); c.587G>A, p.Arg196Gln (NM_001278203.1); c.1040G>A, p.Arg347Gln (NM_001377469.1); c.851G>A, p.Arg284Gln (NM_001377470.1); c.992G>A, p.Arg331Gln (NM_015127.5); short protein forms R196Q, R260Q, R284Q, R331Q, R347Q, R381Q.
Identifiers: ClinVar variation 2413241 (VCV002413241.4), dbSNP rs774225125, ClinGen allele CA983385.
Genomic context (GRCh38, chr1:108,937,318, plus strand): 5'-CTATAATGGAAATCGGCATCACCTGCTCCACCATCAGGTCTATAATCAATTTCCTCCTGC[C>T]GTCTTCTATCCCGTGGCCGAAGTGCCTGGGGAGGTTCGCTCTCAGGACCGCCTATATGTC-3'
Protein context (NP_001364387.1, residues 371-391): PQALRPRDRR[Arg381Gln]QEEIDYRPDG

ClinVar aggregate classification (germline): Uncertain significance (1 of 4 stars; one submission).

Allele frequency attached by ClinVar (database versions not stated): gnomAD exomes 0.00001; ExAC 0.00002; TOPMed 0.00002; gnomAD 0.00003.

Submission:

Labcorp Genetics (formerly Invitae), Labcorp
Classification: Uncertain significance. Last evaluated: 2022-08-08. Review status: criteria provided, single submitter. Criteria: Invitae Variant Classification Sherloc (09022015). Collection method: clinical testing. Allele origin: germline.
Comment: In summary, the available evidence is currently insufficient to determine the role of this variant in disease. Therefore, it has been classified as a Variant of Uncertain Significance. Algorithms developed to predict the effect of missense changes on protein structure and function output the following: SIFT: "Tolerated"; PolyPhen-2: "Benign"; Align-GVGD: "Class C0". The glutamine amino acid residue is found in multiple mammalian species, which suggests that this missense change does not adversely affect protein function. This variant has not been reported in the literature in individuals affected with CLCC1-related conditions. This variant is present in population databases (rs774225125, gnomAD 0.006%). This sequence change replaces arginine, which is basic and polar, with glutamine, which is neutral and polar, at codon 381 of the CLCC1 protein (p.Arg381Gln).